The following is an entry in ClinVar:

NM_001384474.1(LOXHD1):c.537C>A (p.Tyr179Ter)

Gene: LOXHD1 (lipoxygenase homology PLAT domains 1; minus strand). Cytogenetic location: 18q21.1.
Variant type: single nucleotide variant.
Coding change: c.537C>A on transcript NM_001384474.1 (MANE Select); coding-DNA position 537, C replaced by A.
Protein change: p.Tyr179Ter; replaces tyrosine 179 with a stop codon.
Molecular consequence: nonsense.
Genome position (GRCh38, 1-based): chr18:46,618,265, G>T on the plus strand (C>A on the coding strand, the complement: LOXHD1 is on the minus strand). VCF-style: chr18-46618265-G-T. GRCh37 (hg19) VCF-style: chr18-44198228-G-T.
Other names: c.537C>A, p.Tyr179Ter (NM_144612.7); short protein forms Y179*.
Identifiers: ClinVar variation 5018727 (VCV005018727.2).

ClinVar aggregate classification (germline): Likely pathogenic (1 of 4 stars; one submission).

Conditions:
Autosomal recessive nonsyndromic hearing loss 77. Identifiers: Orphanet 90636, MedGen C2746083, MONDO:0013119, OMIM 613079.

Submission:

Juno Genomics, Hangzhou Juno Genomics, Inc
Classification: Likely pathogenic for Autosomal recessive nonsyndromic hearing loss 77. Review status: criteria provided, single submitter. Criteria: ACMG Guidelines, 2015. Collection method: clinical testing. Allele origin: germline.
Comment: Absent from controls (or at extremely low frequency if recessive) in Genome Aggregation Database.;Null variant in a gene where loss of function (LOF) is a known mechanism of disease.